The following is an entry in ClinVar:

ClinVar aggregate classification (germline): Likely benign. Review status: criteria provided, multiple submitters, no conflicts (2 of 4 stars). 2 submissions from 2 submitters: Likely benign (2). Last evaluated 2026-06-01.

Allele frequency attached by ClinVar (database versions not stated): TOPMed below 0.00001; gnomAD exomes 0.00001; ExAC 0.00002.
gnomAD v4.1: 15 of 1,614,176 alleles (0.00093%); highest among the groups gnomAD compares: Non-Finnish European, 0.0013%; no homozygotes.

Submissions (2):

CeGaT Center for Human Genetics Tuebingen
Classification: Likely benign. Last evaluated: 2026-06-01. Review status: criteria provided, single submitter. Criteria: CeGaT Center For Human Genetics Tuebingen Variant Classification Criteria Version 2. Collection method: clinical testing. Allele origin: germline. Affected: yes. Observed: 1 variant allele.
Comment: GSN: BP4, BP7

Labcorp Genetics (formerly Invitae), Labcorp
Classification: Likely benign. Last evaluated: 2023-04-22. Review status: criteria provided, single submitter. Criteria: Invitae Variant Classification Sherloc (09022015). Collection method: clinical testing. Allele origin: germline.

NM_198252.3(GSN):c.831A>G (p.Ser277=)

Gene: GSN (gelsolin; plus strand). Cytogenetic location: 9q33.2.
Variant type: single nucleotide variant.
Coding change: c.831A>G on transcript NM_198252.3 (MANE Select); coding-DNA position 831, A replaced by G.
Protein change: p.Ser277=; no amino-acid change (serine 277 retained).
Molecular consequence: synonymous variant.
Genome position (GRCh38, 1-based): chr9:121,317,163, A>G. VCF-style: chr9-121317163-A-G. GRCh37 (hg19) VCF-style: chr9-124079441-A-G.
Other names: c.864A>G, p.Ser288= (NM_001353063.2, NM_001353064.2, NM_001353065.2 and 13 more transcripts); c.903A>G, p.Ser301= (NM_001353076.2); c.177A>G, p.Ser59= (NM_001353078.2); c.984A>G, p.Ser328= (NM_000177.5); c.831A>G, p.Ser277= (NM_001127662.2, NM_001127664.2, NM_001127665.2 and 10 more transcripts); c.939A>G, p.Ser313= (NM_001127663.2); c.882A>G, p.Ser294= (NM_001258029.2); c.855A>G, p.Ser285= (NM_001258030.2).
Identifiers: ClinVar variation 3007479 (VCV003007479.5), dbSNP rs759942878, ClinGen allele CA5221055.
Genomic context (GRCh38, chr9:121,317,163, plus strand): 5'-GACCATGTCCGTCTCCCTCGTGGCTGATGAGAACCCCTTCGCCCAGGGGGCCCTGAAGTC[A>G]GAGGACTGCTTCATCCTGGACCACGGCAAAGATGGGAAAATCTTTGTCTGGAAAGGTACT-3'
Protein context (NP_937895.1, residues 267-287): ENPFAQGALK[Ser277=]EDCFILDHGK